The following is an entry in ClinVar:

NM_020247.5(COQ8A):c.281C>T (p.Ser94Phe)

Gene: COQ8A (coenzyme Q8A; plus strand). Cytogenetic location: 1q42.13.
Variant type: single nucleotide variant.
Coding change: c.281C>T on transcript NM_020247.5 (MANE Select); coding-DNA position 281, C replaced by T.
Protein change: p.Ser94Phe; replaces serine 94 with phenylalanine.
Molecular consequence: missense variant.
Genome position (GRCh38, 1-based): chr1:226,965,103, C>T. VCF-style: chr1-226965103-C-T. GRCh37 (hg19) VCF-style: chr1-227152804-C-T.
Other names: short protein forms S94F.
Identifiers: ClinVar variation 2113253 (VCV002113253.1), dbSNP rs1344240728, ClinGen allele CA345050040.

ClinVar aggregate classification (germline): Uncertain significance (1 of 4 stars; one submission).

Allele frequency attached by ClinVar (database versions not stated): gnomAD 0.00001.
gnomAD v4.1: 2 of 1,613,902 alleles (0.00012%); highest among the groups gnomAD compares: African/African-American, 0.0013%; no homozygotes.

Submission:

Labcorp Genetics (formerly Invitae), Labcorp
Classification: Uncertain significance. Last evaluated: 2022-08-10. Review status: criteria provided, single submitter. Criteria: Invitae Variant Classification Sherloc (09022015). Collection method: clinical testing. Allele origin: germline.
Comment: This sequence change replaces serine, which is neutral and polar, with phenylalanine, which is neutral and non-polar, at codon 94 of the COQ8A protein (p.Ser94Phe). This variant is present in population databases (no rsID available, gnomAD 0.007%). This variant has not been reported in the literature in individuals affected with COQ8A-related conditions. Advanced modeling of protein sequence and biophysical properties (such as structural, functional, and spatial information, amino acid conservation, physicochemical variation, residue mobility, and thermodynamic stability) performed at Invitae indicates that this missense variant is not expected to disrupt COQ8A protein function. In summary, the available evidence is currently insufficient to determine the role of this variant in disease. Therefore, it has been classified as a Variant of Uncertain Significance.